The following is an entry in ClinVar:

ClinVar aggregate classification (germline): Uncertain significance (1 of 4 stars; one submission).

Conditions:
Epileptic encephalopathy. Identifiers: MedGen C0543888, HP:0200134.

Submission:

Labcorp Genetics (formerly Invitae), Labcorp
Classification: Uncertain significance for Epileptic encephalopathy. Last evaluated: 2023-01-10. Review status: criteria provided, single submitter. Criteria: Invitae Variant Classification Sherloc (09022015). Collection method: clinical testing. Allele origin: germline.
Comment: This variant has not been reported in the literature in individuals affected with GABBR2-related conditions. This sequence change replaces glutamic acid, which is acidic and polar, with lysine, which is basic and polar, at codon 230 of the GABBR2 protein (p.Glu230Lys). This variant is not present in population databases (gnomAD no frequency). ClinVar contains an entry for this variant (Variation ID: 962828). Advanced modeling of protein sequence and biophysical properties (such as structural, functional, and spatial information, amino acid conservation, physicochemical variation, residue mobility, and thermodynamic stability) performed at Invitae indicates that this missense variant is not expected to disrupt GABBR2 protein function. In summary, the available evidence is currently insufficient to determine the role of this variant in disease. Therefore, it has been classified as a Variant of Uncertain Significance.

NM_005458.8(GABBR2):c.688G>A (p.Glu230Lys)

Genes: GABBR2 (gamma-aminobutyric acid type B receptor subunit 2; minus strand), LOC126860700 (CDK7 strongly-dependent group 2 enhancer GRCh37_chr9:101257622-101258821; plus strand). Cytogenetic location: 9q22.33.
Variant type: single nucleotide variant.
Coding change: c.688G>A on transcript NM_005458.8 (MANE Select); coding-DNA position 688, G replaced by A.
Protein change: p.Glu230Lys; replaces glutamic acid 230 with lysine.
Molecular consequence: missense variant.
Genome position (GRCh38, 1-based): chr9:98,496,457, C>T on the plus strand (G>A on the coding strand, the complement: GABBR2 is on the minus strand). VCF-style: chr9-98496457-C-T. GRCh37 (hg19) VCF-style: chr9-101258739-C-T.
Other names: short protein forms E230K.
Identifiers: ClinVar variation 962828 (VCV000962828.10), dbSNP rs1827281812, ClinGen allele CA374349271.